The following is an entry in ClinVar:

ClinVar aggregate classification (germline): Uncertain significance. Review status: criteria provided, multiple submitters, no conflicts (2 of 4 stars). 2 submissions from 2 submitters: Uncertain significance (2). Last evaluated 2024-10-18.

Conditions:
Mosaic variegated aneuploidy syndrome 1 (MVA1). Also called: Warburton-Anyane-Yeboa syndrome. Identifiers: Orphanet 1052, MedGen C1850343, MONDO:0009759, OMIM 257300.
Inborn genetic diseases. Identifiers: MedGen C0950123, MeSH D030342.

Submissions (2):

Ambry Genetics
Classification: Uncertain significance for Inborn genetic diseases. Last evaluated: 2024-10-18. Review status: criteria provided, single submitter. Criteria: Ambry Variant Classification Scheme 2023. Collection method: clinical testing. Allele origin: germline.
Comment: The p.E708Q variant (also known as c.2122G>C), located in coding exon 16 of the BUB1B gene, results from a G to C substitution at nucleotide position 2122. The glutamic acid at codon 708 is replaced by glutamine, an amino acid with highly similar properties. This amino acid position is conserved. In addition, this alteration is predicted to be tolerated by in silico analysis. Based on the available evidence, the clinical significance of this variant remains unclear.

Labcorp Genetics (formerly Invitae), Labcorp
Classification: Uncertain significance for Mosaic variegated aneuploidy syndrome 1. Last evaluated: 2023-03-16. Review status: criteria provided, single submitter. Criteria: Invitae Variant Classification Sherloc (09022015). Collection method: clinical testing. Allele origin: germline.
Comment: In summary, the available evidence is currently insufficient to determine the role of this variant in disease. Therefore, it has been classified as a Variant of Uncertain Significance. An algorithm developed to predict the effect of missense changes on protein structure and function (PolyPhen-2) suggests that this variant is likely to be disruptive. This variant has not been reported in the literature in individuals affected with BUB1B-related conditions. This variant is not present in population databases (gnomAD no frequency). This sequence change replaces glutamic acid, which is acidic and polar, with glutamine, which is neutral and polar, at codon 708 of the BUB1B protein (p.Glu708Gln).

NM_001211.6(BUB1B):c.2122G>C (p.Glu708Gln)

Gene: BUB1B (BUB1 mitotic checkpoint serine/threonine kinase B; plus strand). Cytogenetic location: 15q15.1.
Variant type: single nucleotide variant.
Coding change: c.2122G>C on transcript NM_001211.6 (MANE Select); coding-DNA position 2122, G replaced by C.
Protein change: p.Glu708Gln; replaces glutamic acid 708 with glutamine.
Molecular consequence: missense variant.
Genome position (GRCh38, 1-based): chr15:40,208,749, G>C. VCF-style: chr15-40208749-G-C. GRCh37 (hg19) VCF-style: chr15-40500950-G-C.
Other names: short protein forms E708Q.
Identifiers: ClinVar variation 2867205 (VCV002867205.4), dbSNP rs2542569805, ClinGen allele CA391693844.
Genomic context (GRCh38, chr15:40,208,749, plus strand): 5'-TCTTCTGCCTCGGTTGCAAGCACCTCCTCCATCAAATGTCTTCAAATTCCTGAGAAACTA[G>C]AACTTACTAATGAGACTTCAGGTAGGATATACATACCACTATATCCATGCCTAGTGAACA-3'
Protein context (NP_001202.5, residues 698-718): IKCLQIPEKL[Glu708Gln]LTNETSENPT